The following is an entry in ClinVar:

NM_003079.5(SMARCE1):c.854T>C (p.Ile285Thr)

Gene: SMARCE1 (SWI/SNF related BAF chromatin remodeling complex subunit E1; minus strand). Cytogenetic location: 17q21.2.
Variant type: single nucleotide variant.
Coding change: c.854T>C on transcript NM_003079.5 (MANE Select); coding-DNA position 854, T replaced by C.
Protein change: p.Ile285Thr; replaces isoleucine 285 with threonine.
Molecular consequence: missense variant.
Genome position (GRCh38, 1-based): chr17:40,630,887, A>G on the plus strand (T>C on the coding strand, the complement: SMARCE1 is on the minus strand). VCF-style: chr17-40630887-A-G. GRCh37 (hg19) VCF-style: chr17-38787139-A-G.
Other names: short protein forms I285T.
Identifiers: ClinVar variation 650428 (VCV000650428.10), dbSNP rs1597742548, ClinGen allele CA399363859.

ClinVar aggregate classification (germline): Uncertain significance (1 of 4 stars; one submission).

Conditions:
Familial meningioma. Also called: Meningioma, familial, susceptibility to. Identifiers: Orphanet 263662, MedGen C3551915, MONDO:0011789, OMIM 607174.

Submission:

Labcorp Genetics (formerly Invitae), Labcorp
Classification: Uncertain significance for Familial meningioma. Last evaluated: 2023-08-29. Review status: criteria provided, single submitter. Criteria: Invitae Variant Classification Sherloc (09022015). Collection method: clinical testing. Allele origin: germline.
Comment: In summary, the available evidence is currently insufficient to determine the role of this variant in disease. Therefore, it has been classified as a Variant of Uncertain Significance. Advanced modeling of protein sequence and biophysical properties (such as structural, functional, and spatial information, amino acid conservation, physicochemical variation, residue mobility, and thermodynamic stability) performed at Invitae indicates that this missense variant is not expected to disrupt SMARCE1 protein function. ClinVar contains an entry for this variant (Variation ID: 650428). This variant has not been reported in the literature in individuals affected with SMARCE1-related conditions. This variant is not present in population databases (gnomAD no frequency). This sequence change replaces isoleucine, which is neutral and non-polar, with threonine, which is neutral and polar, at codon 285 of the SMARCE1 protein (p.Ile285Thr).